The following is an entry in ClinVar:

NM_033641.4(COL4A6):c.3474C>T (p.Pro1158=)

Gene: COL4A6 (collagen type IV alpha 6 chain; minus strand). Cytogenetic location: Xq22.3.
Variant type: single nucleotide variant.
Coding change: c.3474C>T on transcript NM_033641.4 (MANE Select); coding-DNA position 3474, C replaced by T.
Protein change: p.Pro1158=; no amino-acid change (proline 1158 retained).
Molecular consequence: synonymous variant.
Genome position (GRCh38, 1-based): chrX:108,170,628, G>A on the plus strand (C>T on the coding strand, the complement: COL4A6 is on the minus strand). VCF-style: chrX-108170628-G-A. GRCh37 (hg19) VCF-style: chrX-107413858-G-A.
Other names: p.Pro1159=; c.3525C>T, p.Pro1175= (NM_001287758.2); c.3474C>T, p.Pro1158= (NM_001287759.2, NM_001287760.2); c.3477C>T, p.Pro1159= (NM_001847.4).
Identifiers: ClinVar variation 675897 (VCV000675897.17), dbSNP rs144145420, ClinGen allele CA10487416.

ClinVar aggregate classification (germline): Benign/Likely benign. Review status: criteria provided, multiple submitters, no conflicts (2 of 4 stars). 7 submissions from 7 submitters: Benign (6); Likely benign (1). Last evaluated 2026-01-27.

Conditions:
Hearing loss, X-linked 6. Also called: Deafness, X-linked 6. Identifiers: Orphanet 90625, MedGen C3806737, MONDO:0010484, OMIM 300914.

Allele frequency attached by ClinVar (database versions not stated): ESP Exome Variant Server 0.00057; gnomAD exomes 0.00127 and 0.00423; gnomAD 0.00192 and 0.00199; 1000 Genomes Project 0.00291; TOPMed 0.00300; ExAC 0.00323; 1000 Genomes Project 30x 0.00375.
gnomAD v4.1: 1,578 of 1,201,047 alleles (0.13%); highest among the groups gnomAD compares: Admixed American, 2.5%; 17 homozygotes.

Submissions (7):

Labcorp Genetics (formerly Invitae), Labcorp
Classification: Benign. Last evaluated: 2026-01-27. Review status: criteria provided, single submitter. Criteria: Invitae Variant Classification Sherloc (09022015). Collection method: clinical testing. Allele origin: germline.

Blueprint Genetics
Classification: Likely benign. Last evaluated: 2024-10-29. Review status: criteria provided, single submitter. Criteria: ACMG Guidelines, 2015. Collection method: clinical testing. Allele origin: germline.

Mayo Clinic Laboratories, Mayo Clinic
Classification: Benign. Last evaluated: 2024-04-30. Review status: criteria provided, single submitter. Criteria: ACMG Guidelines, 2015. Collection method: clinical testing. Allele origin: germline. Observed: 2 variant alleles.
Comment: BA1, BS2, BP4, BP7

Genome-Nilou Lab
Classification: Benign for Hearing loss, X-linked 6. Last evaluated: 2022-03-15. Review status: criteria provided, single submitter. Criteria: ACMG Guidelines, 2015. Collection method: clinical testing. Allele origin: germline. Affected: no.

Fulgent Genetics
Classification: Benign for Hearing loss, X-linked 6. Last evaluated: 2021-07-28. Review status: criteria provided, single submitter. Criteria: ACMG Guidelines, 2015. Collection method: clinical testing. Allele origin: unknown.

GeneDx
Classification: Benign. Last evaluated: 2018-04-12. Review status: criteria provided, single submitter. Criteria: GeneDx Variant Classification (06012015). Collection method: clinical testing. Allele origin: germline. Affected: yes.
Comment: This variant is considered likely benign or benign based on one or more of the following criteria: it is a conservative change, it occurs at a poorly conserved position in the protein, it is predicted to be benign by multiple in silico algorithms, and/or has population frequency not consistent with disease.

Breakthrough Genomics
Classification: Benign. Review status: criteria provided, single submitter. Criteria: ACMG Guidelines, 2015. Collection method: not provided. Allele origin: germline. Inheritance: X-linked inheritance. Affected: yes.